The following is an entry in ClinVar:

ClinVar aggregate classification (germline): Uncertain significance (1 of 4 stars; one submission).

Conditions:
Leigh syndrome (NULS). Also called: Leigh's necrotizing encephalopathy; Leigh's disease; Leigh Syndrome (mtDNA deletion); Leigh Disease; Subacute necrotizing encephalopathy; Necrotizing encephalopathy infantile subacute of Leigh. Identifiers: Orphanet 506, MedGen C2931891, MONDO:0009723, OMIM 256000.

Submission:

Wong Mito Lab, Molecular and Human Genetics, Baylor College of Medicine
Classification: Uncertain significance for Leigh syndrome. Last evaluated: 2019-10-17. Review status: criteria provided, single submitter. Criteria: Modified ACMG Guidelines (Unpublished). Collection method: clinical testing. Allele origin: germline.
Comment: The NC_012920.1:m.4894T>C (YP_003024027.1:p.Met142Thr) variant in MTND2 gene is interpretated to be a Uncertain Significance variant based on the modified ACMG guidelines (unpublished). This variant meets the following evidence codes: BS4

NC_012920.1(MT-ND2):m.4894T>C

Gene: MT-ND2 (mitochondrially encoded NADH dehydrogenase 2; plus strand).
Variant type: single nucleotide variant.
Genome position: chrM-4894-T-C.
Identifiers: ClinVar variation 692514 (VCV000692514.1), dbSNP rs1603219656, ClinGen allele CA414777988.
Genomic context (GRCh38, chrMT:4,894, plus strand): 5'-CCCCTCTGACATCCGGCCTGCTTCTTCTCACATGACAAAAACTAGCCCCCATCTCAATCA[T>C]ATACCAAATCTCTCCCTCACTAAACGTAAGCCTTCTCCTCACTCTCTCAATCTTATCCAT-3'